The following is an entry in ClinVar:

NM_004204.5(PIGQ):c.605C>T (p.Ala202Val)

Gene: PIGQ (phosphatidylinositol glycan anchor biosynthesis class Q; plus strand). Cytogenetic location: 16p13.3.
Variant type: single nucleotide variant.
Coding change: c.605C>T on transcript NM_004204.5 (MANE Select); coding-DNA position 605, C replaced by T.
Protein change: p.Ala202Val; replaces alanine 202 with valine.
Molecular consequence: missense variant.
Genome position (GRCh38, 1-based): chr16:574,679, C>T. VCF-style: chr16-574679-C-T. GRCh37 (hg19) VCF-style: chr16-624679-C-T.
Other names: c.605C>T (NM_148920.1); c.605C>T, p.Ala202Val (NM_148920.4); short protein forms A202V.
Identifiers: ClinVar variation 663903 (VCV000663903.9), dbSNP rs368941189, ClinGen allele CA7779918.

ClinVar aggregate classification (germline): Conflicting classifications of pathogenicity. Review status: criteria provided, conflicting classifications (1 of 4 stars). 3 submissions from 3 submitters: Uncertain significance (2); Likely benign (1). Last evaluated 2026-04-01.

Conditions:
Inborn genetic diseases. Identifiers: MedGen C0950123, MeSH D030342.
Epilepsy. Also called: Seizure disorder. Identifiers: MedGen C0014544, MeSH D004827, MONDO:0005027.

Allele frequency attached by ClinVar (database versions not stated): TOPMed 0.00002; ExAC 0.00014.

Submissions (3):

CeGaT Center for Human Genetics Tuebingen
Classification: Uncertain significance. Last evaluated: 2026-04-01. Review status: criteria provided, single submitter. Criteria: CeGaT Center For Human Genetics Tuebingen Variant Classification Criteria Version 2. Collection method: clinical testing. Allele origin: germline. Affected: yes. Observed: 1 variant allele.
Comment: PIGQ: PM2, BP4

Ambry Genetics
Classification: Likely benign for Inborn genetic diseases. Last evaluated: 2025-01-08. Review status: criteria provided, single submitter. Criteria: Ambry Variant Classification Scheme 2023. Collection method: clinical testing. Allele origin: germline.

Labcorp Genetics (formerly Invitae), Labcorp
Classification: Uncertain significance for Epilepsy. Last evaluated: 2022-08-02. Review status: criteria provided, single submitter. Criteria: Invitae Variant Classification Sherloc (09022015). Collection method: clinical testing. Allele origin: germline.
Comment: This sequence change replaces alanine, which is neutral and non-polar, with valine, which is neutral and non-polar, at codon 202 of the PIGQ protein (p.Ala202Val). This variant is present in population databases (rs368941189, gnomAD 0.04%). This variant has not been reported in the literature in individuals affected with PIGQ-related conditions. ClinVar contains an entry for this variant (Variation ID: 663903). Algorithms developed to predict the effect of missense changes on protein structure and function output the following: SIFT: "Tolerated"; PolyPhen-2: "Benign"; Align-GVGD: "Class C0". The valine amino acid residue is found in multiple mammalian species, which suggests that this missense change does not adversely affect protein function. In summary, the available evidence is currently insufficient to determine the role of this variant in disease. Therefore, it has been classified as a Variant of Uncertain Significance.